The following is an entry in ClinVar:

ClinVar aggregate classification (germline): Benign/Likely benign. Review status: criteria provided, multiple submitters, no conflicts (2 of 4 stars). 9 submissions from 9 submitters: Benign (2); Likely benign (4). 3 of the submissions do not count toward it. Last evaluated 2026-09-01.

Conditions:
AUTS2-related disorder. Also called: AUTS2-related condition.
Autism spectrum disorder due to AUTS2 deficiency (MRD26). Also called: INTELLECTUAL DEVELOPMENTAL DISORDER, AUTOSOMAL DOMINANT 26. Identifiers: Orphanet 352490, MedGen C4014435, MONDO:0014361, OMIM 615834.

Allele frequency attached by ClinVar (database versions not stated): ESP Exome Variant Server 0.00069; gnomAD 0.00098 and 0.00112; TOPMed 0.00107; 1000 Genomes Project 30x 0.00453; 1000 Genomes Project 0.00459.
gnomAD v4.1: 928 of 1,614,058 alleles (0.057%); highest among the groups gnomAD compares: East Asian, 0.7%; 8 homozygotes.

Submissions (9):

CeGaT Center for Human Genetics Tuebingen
Classification: Likely benign. Last evaluated: 2026-09-01. Review status: criteria provided, single submitter. Criteria: CeGaT Center For Human Genetics Tuebingen Variant Classification Criteria Version 2. Collection method: clinical testing. Allele origin: germline. Affected: yes. Observed: 4 variant alleles.
Comment: AUTS2: BS1

Labcorp Genetics (formerly Invitae), Labcorp
Classification: Benign. Last evaluated: 2026-01-15. Review status: criteria provided, single submitter. Criteria: Invitae Variant Classification Sherloc (09022015). Collection method: clinical testing. Allele origin: germline.

Blueprint Genetics
Classification: Likely benign. Last evaluated: 2024-11-27. Review status: criteria provided, single submitter. Criteria: ACMG Guidelines, 2015. Collection method: clinical testing. Allele origin: germline.

GeneDx
Classification: Benign. Last evaluated: 2020-03-04. Review status: criteria provided, single submitter. Criteria: GeneDx Variant Classification Process June 2021. Collection method: clinical testing. Allele origin: germline. Affected: yes.

Mendelics
Classification: Likely benign for Autism spectrum disorder due to AUTS2 deficiency. Last evaluated: 2019-05-28. Review status: criteria provided, single submitter. Criteria: Mendelics Assertion Criteria 2017. Collection method: clinical testing. Allele origin: unknown.

Breakthrough Genomics
Classification: Likely benign. Review status: criteria provided, single submitter. Criteria: ACMG Guidelines, 2015. Collection method: not provided. Allele origin: germline. Inheritance: Autosomal dominant inheritance. Affected: yes.

PreventionGenetics, part of Exact Sciences
Classification: Benign for AUTS2-related condition. Last evaluated: 2022-07-26. Review status: no assertion criteria provided. Collection method: clinical testing. Allele origin: germline. Not counted in ClinVar's aggregate classification.
Comment: This variant is classified as benign based on ACMG/AMP sequence variant interpretation guidelines (Richards et al. 2015 PMID: 25741868, with internal and published modifications).

Clinical Genetics DNA and cytogenetics Diagnostics Lab, Erasmus MC, Erasmus Medical Center
Classification: Likely benign. Review status: no assertion criteria provided. Collection method: clinical testing. Allele origin: germline. Affected: yes. Study: VKGL Data-share Consensus. Not counted in ClinVar's aggregate classification.

Genome Diagnostics Laboratory, University Medical Center Utrecht
Classification: Likely benign. Review status: no assertion criteria provided. Collection method: clinical testing. Allele origin: germline. Affected: yes. Study: VKGL Data-share Consensus. Not counted in ClinVar's aggregate classification.

NM_015570.4(AUTS2):c.385C>G (p.Leu129Val)

Gene: AUTS2 (activator of transcription and developmental regulator AUTS2; plus strand). Cytogenetic location: 7q11.22.
Variant type: single nucleotide variant.
Coding change: c.385C>G on transcript NM_015570.4 (MANE Select); coding-DNA position 385, C replaced by G.
Protein change: p.Leu129Val; replaces leucine 129 with valine.
Molecular consequence: missense variant.
Genome position (GRCh38, 1-based): chr7:69,899,361, C>G. VCF-style: chr7-69899361-C-G. GRCh37 (hg19) VCF-style: chr7-69364347-C-G.
Other names: c.385C>G, p.Leu129Val (NM_001127231.3, NM_001127232.3); short protein forms L129V.
Identifiers: ClinVar variation 701814 (VCV000701814.35), dbSNP rs145480547, ClinGen allele CA4280291.
Genomic context (GRCh38, chr7:69,899,361, plus strand): 5'-AAGCCTCAGGAACGTGTGGAGAAACGCCAGACGCCCCTGACCAAGAAGAAACGAGAAGCA[C>G]TTACCAATGGCTTGTCCTTTCATTCAAAGAAGAGCAGACTCAGCCACCCACACCACTACA-3'
Protein context (NP_056385.1, residues 119-139): TPLTKKKREA[Leu129Val]TNGLSFHSKK